The following is an entry in ClinVar:

ClinVar aggregate classification (germline): Pathogenic (1 of 4 stars; one submission).

Conditions:
Tuberous sclerosis 2 (TSC2). Identifiers: Orphanet 805, MedGen C1860707, MONDO:0013199, OMIM 613254.

Submission:

Labcorp Genetics (formerly Invitae), Labcorp
Classification: Pathogenic for Tuberous sclerosis 2. Last evaluated: 2019-09-15. Review status: criteria provided, single submitter. Criteria: Invitae Variant Classification Sherloc (09022015). Collection method: clinical testing. Allele origin: germline.
Comment: This variant has not been reported in the literature in individuals with TSC2-related conditions. For these reasons, this variant has been classified as Pathogenic. Loss-of-function variants in TSC2 are known to be pathogenic (PMID: 10205261, 17304050). This variant is not present in population databases (ExAC no frequency). This sequence change creates a premature translational stop signal (p.Val1695Cysfs*11) in the TSC2 gene. It is expected to result in an absent or disrupted protein product.

Literature cited by the submitters: PubMed 10205261; PubMed 17304050.

NM_000548.5(TSC2):c.5081_5082insA (p.Val1695fs)

Gene: TSC2 (TSC complex subunit 2; plus strand). Cytogenetic location: 16p13.3.
Variant type: Insertion.
Coding change: c.5081_5082insA on transcript NM_000548.5 (MANE Select); coding-DNA positions 5081 to 5082, A inserted.
Protein change: p.Val1695fs; shifts the reading frame from valine 1695.
Molecular consequence: frameshift variant.
Genome position: GRCh38 VCF-style: chr16-2088060-T-TA. GRCh37 (hg19) VCF-style: chr16-2138061-T-TA.
Other names: c.4880_4881insA, p.Val1628fs (NM_001077183.3); c.5012_5013insA, p.Val1672fs (NM_001114382.3); c.4772_4773insA, p.Val1592fs (NM_001318827.2); c.4736_4737insA, p.Val1580fs (NM_001318829.2); c.4349_4350insA, p.Val1451fs (NM_001318831.2); c.4913_4914insA, p.Val1639fs (NM_001318832.2); c.4883_4884insA, p.Val1629fs (NM_001363528.2); c.4949_4950insA, p.Val1651fs (NM_001370404.1); and 1 more; short protein forms V1672fs, V1592fs, V1451fs, V1628fs, V1639fs, V1651fs, V1652fs, V1695fs.
Identifiers: ClinVar variation 959510 (VCV000959510.7), dbSNP rs2091089201, ClinGen allele CA1139664250.